The following is an entry in ClinVar:

NM_001127208.3(TET2):c.1445A>G (p.Asn482Ser)

Genes: TET2 (tet methylcytosine dioxygenase 2; plus strand), TET2-AS1 (TET2 antisense RNA 1; minus strand). Cytogenetic location: 4q24.
Variant type: single nucleotide variant.
Coding change: c.1445A>G on transcript NM_001127208.3 (MANE Select); coding-DNA position 1445, A replaced by G.
Protein change: p.Asn482Ser; replaces asparagine 482 with serine.
Molecular consequence: missense variant.
Genome position (GRCh38, 1-based): chr4:105,235,387, A>G. VCF-style: chr4-105235387-A-G. GRCh37 (hg19) VCF-style: chr4-106156544-A-G.
Other names: c.1445A>G, p.Asn482Ser (NM_017628.4); short protein forms N482S.
Identifiers: ClinVar variation 4183053 (VCV004183053.1).

ClinVar aggregate classification (germline): Uncertain significance (1 of 4 stars; one submission).

Submission:

Ambry Genetics
Classification: Uncertain significance. Last evaluated: 2025-09-01. Review status: criteria provided, single submitter. Criteria: Ambry Variant Classification Scheme 2023. Collection method: clinical testing. Allele origin: germline.
Comment: The p.N482S variant (also known as c.1445A>G), located in coding exon 1 of the TET2 gene, results from an A to G substitution at nucleotide position 1445. The asparagine at codon 482 is replaced by serine, an amino acid with highly similar properties. This amino acid position is conserved. In addition, this alteration is predicted to be tolerated by in silico analysis. Based on the available evidence, the clinical significance of this variant remains unclear.